The following is an entry in ClinVar:

ClinVar aggregate classification (germline): Uncertain significance. Review status: reviewed by expert panel (3 of 4 stars). 2 submissions from 2 submitters: Uncertain significance (1). 1 of the submissions does not count toward it. Last evaluated 2026-05-19.

Conditions:
Activated PI3K-delta syndrome. Identifiers: Orphanet 397596, MedGen C3714976, MONDO:0018338.
PIK3R1-related immunodeficiency and SHORT syndrome. Identifiers: MedGen CN379774, MONDO:1060136.

Submissions (2):

ClinGen Primary Immune Regulatory Disorders Variant Curation Expert Panel, ClinGen
Classification: Uncertain significance for PIK3R1-related immunodeficiency and SHORT syndrome. Last evaluated: 2026-05-19. Review status: reviewed by expert panel. Criteria: ClinGen AbDef ACMG Specifications PIK3R1 V1.0.0. Collection method: curation. Allele origin: germline. Inheritance: Autosomal dominant inheritance.
Comment: NM_181523.3(PIK3R1):c.1013T>C (p.Ile338Thr) is a missense variant causing substitution of isoleucine by threonine at amino acid 338. This variant is present in gnomAD v4.1.0 at a total allele frequency of 0.000001871, with 3 alleles / 1,603,772 total alleles across all populations of gnomAD, which is higher than the ClinGen Antibody Deficiencies PM2_Supporting threshold of <0.00000132. This variant is present in gnomAD v4.1.0 at a GrpMax allele frequency of 0.00000068, with 3 alleles / 1,170,876 total alleles in the European (non-Finnish) population, which is lower than the ClinGen Antibody Deficiencies VCEP BS1 threshold of >0.000316, so no population code is met. This variant has been reported in 1 unpublished proband with a phenotype that includes exocrine pancreatic insufficiency, decreased total neutrophil count, profound hearing impairment, motor delay (1 pt), transitional B cells mildly elevated above the normal range (20.9%), and T follicular helper cells within the normal range (14.6%), with no abnormal increase in phospho-AKT or phospho-S6 in patient T cell blasts at baseline or upon anti-CD3e stimulation (1 total point, ClinVar Accession #: SCV006304594.1). Because the Antibody Deficiencies VCEP requires a proband to have at least 6 phenotypic points with comprehensive genetic testing of other loci, PS4_Supporting was not met. The computational predictor REVEL gives a score of 0.810, which is above the ClinGen Antibody Deficiencies VCEP threshold of >0.644 and predicts a damaging effect on PIK3R1 function. The computational predictor CADD gives a PHRED score of 25.4, which is below the ClinGen Antibody Deficiencies VCEP threshold of >26.0 and does not predict a deleterious effect on PIK3R1 function. The two predictors do not agree on a damaging effect, so PP3 is not met. In summary, this variant meets the criteria to be classified as a variant of uncertain significance for autosomal dominant PIK3R1-related immunodeficiency and SHORT syndrome based on the ACMG/AMP criteria applied, as specified by the ClinGen Antibody Deficiencies VCEP: None. (VCEP specifications version 1.0.0; date of approval 04/29/2026).

Rarefied Biosciences Lab
Classification: Likely benign for Activated PI3K-delta syndrome. Review status: no assertion criteria provided. Collection method: research. Allele origin: germline, not applicable. Affected: yes. Not counted in ClinVar's aggregate classification.
Comment: The PIK3R1 c.1013T>C (p.Ile338Thr) variant is a rare missense change with a gnomAD exome allele frequency of 0.0000294, supporting its classification as a rare polymorphism. The amino acid substitution occurs at a moderately conserved residue (phyloP100 ≈ 4.765), but computational tools consistently predict a benign impact, with a REVEL score of approximately 0.069, an AlphaMissense score of 0.06539 (Benign Strong), and a SIFT prediction consistent with benign effect. Functional immunophenotyping demonstrated transitional B cells at 20.9% and T follicular helper (TFH) cells at 14.5%, both within or only mildly above control ranges and not indicative of pathogenic PI3K signaling. Furthermore, no abnormal activation of the mTOR pathway was observed, indicating intact downstream signaling. Taken together, the rarity of the variant, benign computational predictions, and absence of functional abnormalities support classification of PIK3R1 c.1013T>C (p.Ile338Thr) as Likely Benign.

Literature cited by the submitters: PubMed 31031754 (cited by Rarefied Biosciences Lab).

NM_181523.3(PIK3R1):c.1013T>C (p.Ile338Thr)

Gene: PIK3R1 (phosphoinositide-3-kinase regulatory subunit 1; plus strand). Cytogenetic location: 5q13.1.
Variant type: single nucleotide variant.
Coding change: c.1013T>C on transcript NM_181523.3 (MANE Select); coding-DNA position 1013, T replaced by C.
Protein change: p.Ile338Thr; replaces isoleucine 338 with threonine.
Molecular consequence: missense variant.
Genome position (GRCh38, 1-based): chr5:68,292,355, T>C. VCF-style: chr5-68292355-T-C. GRCh37 (hg19) VCF-style: chr5-67588183-T-C.
Other names: NM_181523.3(PIK3R1):c.1013T>C; p.Ile338Thr; c.203T>C, p.Ile68Thr (NM_181504.4); c.113T>C, p.Ile38Thr (NM_181524.2); short protein forms I338T, I38T, I68T.
Identifiers: ClinVar variation 4077155 (VCV004077155.2).
Genomic context (GRCh38, chr5:68,292,355, plus strand): 5'-CCAACAACGGTATGAATAACAATATGTCCTTACAAGATGCTGAATGGTACTGGGGAGATA[T>C]CTCGAGGTAAGGCTACAGAAACTTCATTTTCAGAGAGTTTTAGATTAAAAGAAAGAAAAG-3'
Protein context (NP_852664.1, residues 328-348): LQDAEWYWGD[Ile338Thr]SREEVNEKLR